The following is an entry in ClinVar:

NM_020320.5(RARS2):c.898dup (p.Asp300fs)

Gene: RARS2 (arginyl-tRNA synthetase 2, mitochondrial; minus strand). Cytogenetic location: 6q15.
Variant type: Duplication.
Coding change: c.898dup on transcript NM_020320.5 (MANE Select); coding-DNA position 898, one base duplicated (G; older notation c.898dupG).
Protein change: p.Asp300fs; shifts the reading frame from aspartic acid 300.
Molecular consequence: frameshift variant. On other transcripts: non-coding transcript variant (23).
Genome position (GRCh38, 1-based): chr6:87,524,633, C duplicated on the plus strand (G on the coding strand, the reverse complement: RARS2 is on the minus strand). VCF-style (leftmost placement, unchanged base first): chr6-87524632-T-TC. GRCh37 (hg19) VCF-style: chr6-88234350-T-TC.
Other names: c.373dup, p.Asp125fs (NM_001318785.2, NM_001350506.2, NM_001350507.2 and 4 more transcripts); c.898dup, p.Asp300fs (NM_001350505.2); short protein forms D300fs, D125fs.
Identifiers: ClinVar variation 215075 (VCV000215075.2), dbSNP rs863224182, ClinGen allele CA324051.
Genomic context (GRCh38, chr6:87,524,632, plus strand): 5'-GAAGTCCCATCACTTCGCATTACAGTACAAATTGAGGAGGGGTCGCCATTCCCAGAGAGA[T>TC]CTACTACAGCCGTTCCTTTTCTAGAAATTCGAAAAGGTAACTCTGAAGCAACATAATAAA-3'

ClinVar aggregate classification (germline): Pathogenic/Likely pathogenic. Review status: criteria provided, multiple submitters, no conflicts (2 of 4 stars). 2 submissions from 2 submitters: Pathogenic (1); Likely pathogenic (1). Last evaluated 2024-02-07.

Conditions:
Pontocerebellar hypoplasia type 6 (PCH6). Identifiers: Orphanet 166073, MedGen C1969084, MONDO:0012683, OMIM 611523.

Submissions (2):

Baylor Genetics
Classification: Likely pathogenic for Pontocerebellar hypoplasia type 6. Last evaluated: 2024-02-07. Review status: criteria provided, single submitter. Criteria: ACMG Guidelines, 2015. Collection method: clinical testing. Allele origin: unknown.

GeneDx
Classification: Pathogenic. Last evaluated: 2012-09-13. Review status: criteria provided, single submitter. Criteria: GeneDx Variant Classification (06012015). Collection method: clinical testing. Allele origin: germline. Affected: yes.
Comment: c.898dupG: p.Asp300GlyfsX18 in exon 11 of the RARS2 gene (NM_020320.3) The c.898dupG mutation in the RARS2 gene causes a frameshift starting with codon Aspartic Acid 300, changes this amino acid to a Glycine residue and creates a premature Stop codon at position 18 of the new reading frame, denoted p.Asp300GlyfsX18. This mutation is predicted to cause loss of normal protein function either through protein truncation or nonsense-mediated mRNA decay. Although this mutation has not been previously reported to our knowledge, it is expected to be a disease-associated mutation. The variant is found in MITONUC-MITOP panel(s).